The following is an entry in ClinVar:

ClinVar aggregate classification (germline): Uncertain significance. Review status: criteria provided, multiple submitters, no conflicts (2 of 4 stars). 2 submissions from 2 submitters: Uncertain significance (2). Last evaluated 2024-05-21.

Conditions:
Peroxisome biogenesis disorder 1A (Zellweger) (PBD1A). Also called: Zellweger leukodystrophy; Peroxisome biogenesis disorder 1a. Identifiers: MedGen C4721541, MONDO:0008953, OMIM 214100.
Heimler syndrome 1 (HMLR1). Also called: PEROXISOME BIOGENESIS DISORDER 1C. Identifiers: Orphanet 3220, MedGen C4551980, OMIM 234580, MONDO:0024544.
Peroxisome biogenesis disorder 1B (PBD1B). Also called: Infantile Refsum disease; Infantile form of phytanic acid storage disease; Refsum disease, infantile form; PEROXISOME BIOGENESIS DISORDER (NALD/IRD); ADRENOLEUKODYSTROPHY, AUTOSOMAL NEONATAL; PEROXISOME BIOGENESIS DISORDER (NEONATAL ADRENOLEUKODYSTROPHY/INFANTILE REFSUM DISEASE). Identifiers: Orphanet 44, MedGen C0282527, MONDO:0011101, OMIM 601539.
Zellweger spectrum disorders (ZS). Also called: Zellweger Spectrum Disorder; Zellweger Spectrum; Zellweger syndrome; Zellweger Spectrum Disorder (ZSD). Identifiers: Orphanet 912, MedGen C0043459, MONDO:0019609.

Submissions (2):

Fulgent Genetics
Classification: Uncertain significance for Peroxisome biogenesis disorder 1A (Zellweger); Heimler syndrome 1; Peroxisome biogenesis disorder 1B. Last evaluated: 2024-05-21. Review status: criteria provided, single submitter. Criteria: ACMG Guidelines, 2015. Collection method: clinical testing. Allele origin: germline.

Labcorp Genetics (formerly Invitae), Labcorp
Classification: Uncertain significance for Zellweger spectrum disorders. Last evaluated: 2019-09-05. Review status: criteria provided, single submitter. Criteria: Invitae Variant Classification Sherloc (09022015). Collection method: clinical testing. Allele origin: germline.
Comment: This variant is not present in population databases (ExAC no frequency). This sequence change replaces glutamic acid with glycine at codon 392 of the PEX1 protein (p.Glu392Gly). The glutamic acid residue is moderately conserved and there is a moderate physicochemical difference between glutamic acid and glycine. In summary, the available evidence is currently insufficient to determine the role of this variant in disease. Therefore, it has been classified as a Variant of Uncertain Significance. Algorithms developed to predict the effect of missense changes on protein structure and function are either unavailable or do not agree on the potential impact of this missense change (SIFT: "Deleterious"; PolyPhen-2: "Benign"; Align-GVGD: "Class C0"). This variant has not been reported in the literature in individuals with PEX1-related conditions.

NM_000466.3(PEX1):c.1175A>G (p.Glu392Gly)

Gene: PEX1 (peroxisomal biogenesis factor 1; minus strand). Cytogenetic location: 7q21.2.
Variant type: single nucleotide variant.
Coding change: c.1175A>G on transcript NM_000466.3 (MANE Select); coding-DNA position 1175, A replaced by G.
Protein change: p.Glu392Gly; replaces glutamic acid 392 with glycine.
Molecular consequence: missense variant.
Genome position (GRCh38, 1-based): chr7:92,517,340, T>C on the plus strand (A>G on the coding strand, the complement: PEX1 is on the minus strand). VCF-style: chr7-92517340-T-C. GRCh37 (hg19) VCF-style: chr7-92146654-T-C.
Other names: c.1175A>G, p.Glu392Gly (NM_001282677.2); c.551A>G, p.Glu184Gly (NM_001282678.2); short protein forms E392G, E184G.
Identifiers: ClinVar variation 956950 (VCV000956950.10), dbSNP rs1792836885, ClinGen allele CA368197466.